The following is an entry in ClinVar:

ClinVar aggregate classification (germline): Likely benign (1 of 4 stars; one submission).

gnomAD v4.1: 6 of 1,551,556 alleles (0.00039%); no homozygotes.

Submission:

CeGaT Center for Human Genetics Tuebingen
Classification: Likely benign. Last evaluated: 2024-07-01. Review status: criteria provided, single submitter. Criteria: CeGaT Center For Human Genetics Tuebingen Variant Classification Criteria Version 2. Collection method: clinical testing. Allele origin: germline. Affected: yes. Observed: 1 variant allele.
Comment: GREB1L: BP4, BP7

NM_001142966.3(GREB1L):c.2715C>G (p.Val905=)

Gene: GREB1L (GREB1 like retinoic acid receptor coactivator; plus strand). Cytogenetic location: 18q11.1.
Variant type: single nucleotide variant.
Coding change: c.2715C>G on transcript NM_001142966.3 (MANE Select); coding-DNA position 2715, C replaced by G.
Protein change: p.Val905=; no amino-acid change (valine 905 retained).
Molecular consequence: synonymous variant.
Genome position (GRCh38, 1-based): chr18:21,490,036, C>G. VCF-style: chr18-21490036-C-G. GRCh37 (hg19) VCF-style: chr18-19069997-C-G.
Other names: c.2844C>G, p.Val948= (NM_001410867.1); c.2388C>G, p.Val796= (NM_001410868.1).
Identifiers: ClinVar variation 3257326 (VCV003257326.17).